The following is an entry in ClinVar:

NM_015137.6(EFR3A):c.1323T>C (p.Leu441=)

Gene: EFR3A (EFR3 homolog A; plus strand). Cytogenetic location: 8q24.22.
Variant type: single nucleotide variant.
Coding change: c.1323T>C on transcript NM_015137.6 (MANE Select); coding-DNA position 1323, T replaced by C.
Protein change: p.Leu441=; no amino-acid change (leucine 441 retained).
Molecular consequence: synonymous variant. On other transcripts: non-coding transcript variant (2).
Genome position (GRCh38, 1-based): chr8:131,977,089, T>C. VCF-style: chr8-131977089-T-C. GRCh37 (hg19) VCF-style: chr8-132989336-T-C.
Other names: c.1215T>C, p.Leu405= (NM_001323553.2, NM_001323554.2, NM_001323555.2 and 2 more transcripts); c.1323T>C, p.Leu441= (NM_001323558.2).
Identifiers: ClinVar variation 3061528 (VCV003061528.2), dbSNP rs749060282, ClinGen allele CA4879015.

ClinVar aggregate classification (germline): Likely benign (0 of 4 stars; one submission).

Conditions:
EFR3A-related disorder. Also called: EFR3A-related condition.

Allele frequency attached by ClinVar (database versions not stated): ExAC 0.00001.

Submission:

PreventionGenetics, part of Exact Sciences
Classification: Likely benign for EFR3A-related condition. Last evaluated: 2021-09-23. Review status: no assertion criteria provided. Collection method: clinical testing. Allele origin: germline.
Comment: This variant is classified as likely benign based on ACMG/AMP sequence variant interpretation guidelines (Richards et al. 2015 PMID: 25741868, with internal and published modifications).